The following is an entry in ClinVar:

ClinVar aggregate classification (germline): Pathogenic/Likely pathogenic. Review status: criteria provided, multiple submitters, no conflicts (2 of 4 stars). 3 submissions from 3 submitters: Pathogenic (1); Likely pathogenic (2). Last evaluated 2025-10-20.

Conditions:
Neurofibromatosis, type 1 (NF1). Also called: Neurofibromatosis, type I; VON RECKLINGHAUSEN DISEASE; Peripheral type neurofibromatosis; NEUROFIBROMATOSIS, TYPE I, SOMATIC. Identifiers: Orphanet 636, MedGen C0027831, MONDO:0018975, OMIM 162200. Disease mechanism: loss of function.

Submissions (3):

Clinical Genomics Laboratory, Washington University in St. Louis
Classification: Likely pathogenic for Neurofibromatosis, type 1. Last evaluated: 2025-10-20. Review status: criteria provided, single submitter. Criteria: Leon-Quintero et al. (Clin Genet. 2025). Collection method: clinical testing. Allele origin: somatic. Affected: yes.
Comment: An NF1 c.4930G>A (p.Asp1644Asn) variant was identified at an allelic fraction consistent with somatic origin. This variant has been reported in several individuals affected with neurofibromatosis type 1 (Leiden database PMID: 21520333; Kang E et al., PMID: 31776437). This variant has been reported in the ClinVar database as a germline pathogenic variant by one submitter and likely pathogenic variant by another submitter in neurofibromatosis type 1 (Variation ID: 640039). This variant is absent from the general population (gnomAD v4.1.0), indicating it is not a common variant. This variant resides within a region, Sec 14 homologous domain, of NF1 that is defined as a critical functional domain (Neira JL et al., PMID: 33476564; Welti S et al., PMID: 17187824). Computational predictors indicate that the variant is damaging, evidence that correlates with impact on NF1 function. Based on available information and an internally developed protocol informed by the ACMG/AMP guidelines for variant interpretation and gene-specific practices from the ClinGen Criteria Specification Registry (Leon-Quintero FZ et al., PMID: 39434542), the c.4930G>A (p.Asp1644Asn) variant is likely pathogenic.

Labcorp Genetics (formerly Invitae), Labcorp
Classification: Pathogenic for Neurofibromatosis, type 1. Last evaluated: 2024-09-09. Review status: criteria provided, single submitter. Criteria: Invitae Variant Classification Sherloc (09022015). Collection method: clinical testing. Allele origin: germline.
Comment: This sequence change replaces aspartic acid, which is acidic and polar, with asparagine, which is neutral and polar, at codon 1623 of the NF1 protein (p.Asp1623Asn). This variant is not present in population databases (gnomAD no frequency). This missense change has been observed in individual(s) with clinical features of neurofibromatosis type 1 (PMID: 21520333, 31776437; internal data). In at least one individual the variant was observed to be de novo. ClinVar contains an entry for this variant (Variation ID: 640039). Invitae Evidence Modeling of protein sequence and biophysical properties (such as structural, functional, and spatial information, amino acid conservation, physicochemical variation, residue mobility, and thermodynamic stability) indicates that this missense variant is expected to disrupt NF1 protein function with a positive predictive value of 95%. This variant disrupts the p.Asp1623 amino acid residue in NF1. Other variant(s) that disrupt this residue have been determined to be pathogenic (PMID: 23913538; internal data). This suggests that this residue is clinically significant, and that variants that disrupt this residue are likely to be disease-causing. For these reasons, this variant has been classified as Pathogenic.

Division of Human Genetics, National Health Laboratory Service/University of the Witwatersrand
Classification: Likely pathogenic for Neurofibromatosis, type 1. Last evaluated: 2023-07-01. Review status: criteria provided, single submitter. Criteria: ACMG Guidelines, 2015. Collection method: research. Allele origin: germline. Affected: yes.

Literature cited by the submitters: PubMed 21520333 (cited by Labcorp Genetics (formerly Invitae), Labcorp); PubMed 31776437 (cited by Labcorp Genetics (formerly Invitae), Labcorp); PubMed 23913538 (cited by Labcorp Genetics (formerly Invitae), Labcorp).

NM_001042492.3(NF1):c.4930G>A (p.Asp1644Asn)

Gene: NF1 (neurofibromin 1; plus strand). Cytogenetic location: 17q11.2.
Variant type: single nucleotide variant.
Coding change: c.4930G>A on transcript NM_001042492.3 (MANE Select); coding-DNA position 4930, G replaced by A.
Protein change: p.Asp1644Asn; replaces aspartic acid 1644 with asparagine.
Molecular consequence: missense variant.
Genome position (GRCh38, 1-based): chr17:31,325,914, G>A. VCF-style: chr17-31325914-G-A. GRCh37 (hg19) VCF-style: chr17-29652932-G-A.
Other names: c.4867G>A, p.Asp1623Asn (NM_000267.4); short protein forms D1623N, D1644N.
Identifiers: ClinVar variation 640039 (VCV000640039.7), dbSNP rs1131691123, ClinGen allele CA399007132.